The following is an entry in ClinVar:

NM_001374385.1(ATP8B1):c.278C>T (p.Ala93Val)

Gene: ATP8B1 (ATPase phospholipid transporting 8B1; minus strand). Cytogenetic location: 18q21.31.
Variant type: single nucleotide variant.
Coding change: c.278C>T on transcript NM_001374385.1 (MANE Select); coding-DNA position 278, C replaced by T.
Protein change: p.Ala93Val; replaces alanine 93 with valine.
Molecular consequence: missense variant. On other transcripts: intron variant (1).
Genome position (GRCh38, 1-based): chr18:57,706,491, G>A on the plus strand (C>T on the coding strand, the complement: ATP8B1 is on the minus strand). VCF-style: chr18-57706491-G-A. GRCh37 (hg19) VCF-style: chr18-55373723-G-A.
Other names: c.278C>T, p.Ala93Val (NM_005603.6); c.130-1823C>T (NM_001374386.1); short protein forms A93V.
Identifiers: ClinVar variation 3131975 (VCV003131975.2), dbSNP rs909833944, ClinGen allele CA300865491.
Genomic context (GRCh38, chr18:57,706,491, plus strand): 5'-GCCAGCTACTGGAAAAAACTGCATTTTAATGAAAACAATTCAGAAAGTTAACAACTCACC[G>A]CATATTTACTCTCCTTAATACACAAGAATTTTGTGTTCATAAAGTGAGGTTGTTCGTGGT-3'
Protein context (NP_001361314.1, residues 83-103): KFLCIKESKY[Ala93Val]NNAIKTYKYN

ClinVar aggregate classification (germline): Uncertain significance. Review status: criteria provided, multiple submitters, no conflicts (2 of 4 stars). 2 submissions from 2 submitters: Uncertain significance (2). Last evaluated 2026-05-13.

Conditions:
ATP8B1-related disorder. Also called: ATP8B1-related disorders; ATP8B1-related condition.
Inborn genetic diseases. Identifiers: MedGen C0950123, MeSH D030342.

Allele frequency attached by ClinVar (database versions not stated): gnomAD 0.00003.
gnomAD v4.1: 28 of 1,610,692 alleles (0.0017%); highest among the groups gnomAD compares: South Asian, 0.0044%; 1 homozygote.

Submissions (2):

PreventionGenetics, part of Exact Sciences
Classification: Uncertain significance for ATP8B1-related condition. Last evaluated: 2026-05-13. Review status: criteria provided, single submitter. Criteria: ACMG Guidelines, 2015. Collection method: clinical testing. Allele origin: germline.
Comment: The ATP8B1 c.278C>T variant is predicted to result in the amino acid substitution p.Ala93Val. To our knowledge, this variant has not been reported in the literature. This variant is reported in 0.0065% of alleles in individuals of South Asian descent in gnomAD. At this time, the clinical significance of this variant is uncertain due to the absence of conclusive functional and genetic evidence.

Ambry Genetics
Classification: Uncertain significance for Inborn genetic diseases. Last evaluated: 2021-10-12. Review status: criteria provided, single submitter. Criteria: Ambry Variant Classification Scheme 2023. Collection method: clinical testing. Allele origin: germline.